The following is an entry in ClinVar:

ClinVar aggregate classification (germline): Uncertain significance. Review status: criteria provided, multiple submitters, no conflicts (2 of 4 stars). 2 submissions from 2 submitters: Uncertain significance (2). Last evaluated 2025-11-03.

Allele frequency attached by ClinVar (database versions not stated): gnomAD 0.00002; ExAC 0.00001; TOPMed 0.00004.
gnomAD v4.1: 14 of 1,613,428 alleles (0.00087%); highest among the groups gnomAD compares: African/African-American, 0.0013%; no homozygotes.

Submissions (2):

Ambry Genetics
Classification: Uncertain significance. Last evaluated: 2025-11-03. Review status: criteria provided, single submitter. Criteria: Ambry Variant Classification Scheme 2023. Collection method: clinical testing. Allele origin: germline.

Labcorp Genetics (formerly Invitae), Labcorp
Classification: Uncertain significance. Last evaluated: 2024-10-08. Review status: criteria provided, single submitter. Criteria: Invitae Variant Classification Sherloc (09022015). Collection method: clinical testing. Allele origin: germline.
Comment: This sequence change replaces leucine, which is neutral and non-polar, with phenylalanine, which is neutral and non-polar, at codon 134 of the CLCC1 protein (p.Leu134Phe). This variant is present in population databases (rs771208913, gnomAD 0.004%). This variant has not been reported in the literature in individuals affected with CLCC1-related conditions. ClinVar contains an entry for this variant (Variation ID: 965691). An algorithm developed to predict the effect of missense changes on protein structure and function (PolyPhen-2) suggests that this variant is likely to be disruptive. In summary, the available evidence is currently insufficient to determine the role of this variant in disease. Therefore, it has been classified as a Variant of Uncertain Significance.

NM_001377458.1(CLCC1):c.402G>T (p.Leu134Phe)

Gene: CLCC1 (chloride channel CLIC like 1; minus strand). Cytogenetic location: 1p13.3.
Variant type: single nucleotide variant.
Coding change: c.402G>T on transcript NM_001377458.1 (MANE Select); coding-DNA position 402, G replaced by T.
Protein change: p.Leu134Phe; replaces leucine 134 with phenylalanine.
Molecular consequence: missense variant. On other transcripts: non-coding transcript variant (1), intron variant (3).
Genome position (GRCh38, 1-based): chr1:108,943,995, C>A on the plus strand (G>T on the coding strand, the complement: CLCC1 is on the minus strand). VCF-style: chr1-108943995-C-A. GRCh37 (hg19) VCF-style: chr1-109486617-C-A.
Other names: c.402G>T (NM_001048210.1); c.402G>T, p.Leu134Phe (NM_001048210.3, NM_001377459.1, NM_001377460.1 and 8 more transcripts); c.300G>T, p.Leu100Phe (NM_001377469.1); c.111G>T, p.Leu37Phe (NM_001377470.1); c.340-88G>T (NM_015127.5); c.340-2497G>T (NM_001278202.2); c.339+3616G>T (NM_001278203.1); short protein forms L37F, L134F, L100F.
Identifiers: ClinVar variation 965691 (VCV000965691.6), dbSNP rs771208913, ClinGen allele CA983599.
Genomic context (GRCh38, chr1:108,943,995, plus strand): 5'-TGCATCATCCAAGGCACCTGGTTTCCAGTCTTCTCCATTGAGAAACTTCTGTATTTCTAA[C>A]AAAGTTTCTCTTTTAAGGATAATCTCAGCATCATAATGCATATCGCCTTTGTTTTCATCA-3'
Protein context (NP_001364387.1, residues 124-144): DAEIILKRET[Leu134Phe]LEIQKFLNGE